The following is an entry in ClinVar:

NM_002858.4(ABCD3):c.1053G>A (p.Ser351=)

Gene: ABCD3 (ATP binding cassette subfamily D member 3; plus strand). Cytogenetic location: 1p21.3.
Variant type: single nucleotide variant.
Coding change: c.1053G>A on transcript NM_002858.4 (MANE Select); coding-DNA position 1053, G replaced by A.
Protein change: p.Ser351=; no amino-acid change (serine 351 retained).
Molecular consequence: synonymous variant.
Genome position (GRCh38, 1-based): chr1:94,487,779, G>A. VCF-style: chr1-94487779-G-A. GRCh37 (hg19) VCF-style: chr1-94953335-G-A.
Identifiers: ClinVar variation 2638932 (VCV002638932.25), dbSNP rs866388245, ClinGen allele CA26884132.

ClinVar aggregate classification (germline): Likely benign. Review status: criteria provided, multiple submitters, no conflicts (2 of 4 stars). 2 submissions from 2 submitters: Likely benign (2). Last evaluated 2024-08-09.

Allele frequency attached by ClinVar (database versions not stated): TOPMed below 0.00001; gnomAD 0.00001; gnomAD exomes 0.00001.
gnomAD v4.1: 6 of 1,613,586 alleles (0.00037%); highest among the groups gnomAD compares: Admixed American, 0.0017%; no homozygotes.

Submissions (2):

Blueprint Genetics
Classification: Likely benign. Last evaluated: 2024-08-09. Review status: criteria provided, single submitter. Criteria: ACMG Guidelines, 2015. Collection method: clinical testing. Allele origin: germline.

CeGaT Center for Human Genetics Tuebingen
Classification: Likely benign. Last evaluated: 2022-08-01. Review status: criteria provided, single submitter. Criteria: CeGaT Center For Human Genetics Tuebingen Variant Classification Criteria Version 2. Collection method: clinical testing. Allele origin: germline. Affected: yes. Observed: 1 variant allele.
Comment: ABCD3: BP4, BP7